The following is an entry in ClinVar:

NM_001211.6(BUB1B):c.2820G>T (p.Lys940Asn)

Genes: BUB1B (BUB1 mitotic checkpoint serine/threonine kinase B; plus strand), BUB1B-PAK6 (BUB1B-PAK6 readthrough; plus strand). Cytogenetic location: 15q15.1.
Variant type: single nucleotide variant.
Coding change: c.2820G>T on transcript NM_001211.6 (MANE Select); coding-DNA position 2820, G replaced by T.
Protein change: p.Lys940Asn; replaces lysine 940 with asparagine.
Molecular consequence: missense variant. On other transcripts: 5 prime UTR variant (2).
Genome position (GRCh38, 1-based): chr15:40,217,637, G>T. VCF-style: chr15-40217637-G-T. GRCh37 (hg19) VCF-style: chr15-40509838-G-T.
Other names: c.-231G>T (NM_001128628.3); c.-148G>T (NM_001128629.3); short protein forms K940N.
Identifiers: ClinVar variation 1796447 (VCV001796447.7), dbSNP rs749583931, ClinGen allele CA7476133.

ClinVar aggregate classification (germline): Uncertain significance. Review status: criteria provided, multiple submitters, no conflicts (2 of 4 stars). 2 submissions from 2 submitters: Uncertain significance (2). Last evaluated 2022-02-26.

Conditions:
Inborn genetic diseases. Identifiers: MedGen C0950123, MeSH D030342.
Mosaic variegated aneuploidy syndrome 1 (MVA1). Also called: Warburton-Anyane-Yeboa syndrome. Identifiers: Orphanet 1052, MedGen C1850343, MONDO:0009759, OMIM 257300.

gnomAD v4.1: 1 of 1,614,192 alleles (0.000062%); highest among the groups gnomAD compares: Non-Finnish European, 0.000085%; no homozygotes.

Submissions (2):

Ambry Genetics
Classification: Uncertain significance for Inborn genetic diseases. Last evaluated: 2022-02-26. Review status: criteria provided, single submitter. Criteria: Ambry Variant Classification Scheme 2023. Collection method: clinical testing. Allele origin: germline.
Comment: The p.K940N variant (also known as c.2820G>T), located in coding exon 21 of the BUB1B gene, results from a G to T substitution at nucleotide position 2820. The lysine at codon 940 is replaced by asparagine, an amino acid with similar properties. This amino acid position is conserved. In addition, this alteration is predicted to be tolerated by in silico analysis. Since supporting evidence is limited at this time, the clinical significance of this alteration remains unclear.

Labcorp Genetics (formerly Invitae), Labcorp
Classification: Uncertain significance for Mosaic variegated aneuploidy syndrome 1. Last evaluated: 2021-12-25. Review status: criteria provided, single submitter. Criteria: Invitae Variant Classification Sherloc (09022015). Collection method: clinical testing. Allele origin: germline.
Comment: In summary, the available evidence is currently insufficient to determine the role of this variant in disease. Therefore, it has been classified as a Variant of Uncertain Significance. Algorithms developed to predict the effect of missense changes on protein structure and function are either unavailable or do not agree on the potential impact of this missense change (SIFT: "Deleterious"; PolyPhen-2: "Possibly Damaging"; Align-GVGD: "Class C0"). This sequence change replaces lysine, which is basic and polar, with asparagine, which is neutral and polar, at codon 940 of the BUB1B protein (p.Lys940Asn). This variant is present in population databases (rs749583931, gnomAD 0.0009%). This variant has not been reported in the literature in individuals affected with BUB1B-related conditions.